The following is an entry in ClinVar:

ClinVar aggregate classification (germline): drug response (0 of 4 stars; one submission).

Conditions:
Corticosteroids response. Also called: Corticosteroid response.

Allele frequency attached by ClinVar (database versions not stated): gnomAD 0.00001.
gnomAD v4.1: 2 of 1,612,400 alleles (0.00012%); highest among the groups gnomAD compares: Non-Finnish European, 0.00017%; no homozygotes.

Submission:

Genetic Testing Lab, Ashok and Rita Patel Institute of Integrated Study and Research in Biotechnology and Allied Sciences
Classification: drug response for Corticosteroid response. Last evaluated: 2020-01-12. Review status: no assertion criteria provided. Collection method: research. Allele origin: somatic. Affected: yes. Observed: 37 variant alleles.
Comment: Depending upon response to standard corticosteroid therapy, patients were classified to be either Steroid resistant (SRNS) or steroid sensitive (SSNS). Patients in remission within 4 weeks of corticosteroid therapy were classified as steroid sensitive nephrotic syndrome (SSNS). Patients not in remission within 4 weeks of corticosteroid therapy were classified as Steroid resistant nephrotic syndrome (SRNS).

NM_004621.6(TRPC6):c.340G>C (p.Val114Leu)

Gene: TRPC6 (transient receptor potential cation channel subfamily C member 6; minus strand). Cytogenetic location: 11q22.1.
Variant type: single nucleotide variant.
Coding change: c.340G>C on transcript NM_004621.6 (MANE Select); coding-DNA position 340, G replaced by C.
Protein change: p.Val114Leu; replaces valine 114 with leucine.
Molecular consequence: missense variant.
Genome position (GRCh38, 1-based): chr11:101,504,629, C>G on the plus strand (G>C on the coding strand, the complement: TRPC6 is on the minus strand). VCF-style: chr11-101504629-C-G. GRCh37 (hg19) VCF-style: chr11-101375360-C-G.
Other names: short protein forms V114L.
Identifiers: ClinVar variation 981946 (VCV000981946.2), dbSNP rs200841275, ClinGen allele CA227535657.